The following is an entry in ClinVar:

NM_022168.4(IFIH1):c.2791A>C (p.Met931Leu)

Gene: IFIH1 (interferon induced with helicase C domain 1; minus strand). Cytogenetic location: 2q24.2.
Variant type: single nucleotide variant.
Coding change: c.2791A>C on transcript NM_022168.4 (MANE Select); coding-DNA position 2791, A replaced by C.
Protein change: p.Met931Leu; replaces methionine 931 with leucine.
Molecular consequence: missense variant.
Genome position (GRCh38, 1-based): chr2:162,268,103, T>G on the plus strand (A>C on the coding strand, the complement: IFIH1 is on the minus strand). VCF-style: chr2-162268103-T-G. GRCh37 (hg19) VCF-style: chr2-163124613-T-G.
Other names: short protein forms M931L.
Identifiers: ClinVar variation 3753614 (VCV003753614.2).

ClinVar aggregate classification (germline): Uncertain significance (1 of 4 stars; one submission).

Conditions:
Singleton-Merten syndrome 1 (SGMRT1). Also called: Syndrome of widened medullary cavities of the metacarpals and phalanges, aortic calcification and abnormal dentition; Widened medullary cavities of bone, aortic calcification, abnormal dentition, and muscular weakness. Identifiers: Orphanet 85191, MedGen C4225427, MONDO:0024535, OMIM 182250.
Aicardi-Goutieres syndrome 7 (AGS7). Identifiers: Orphanet 51, MedGen C3888244, MONDO:0014367, OMIM 615846.

gnomAD v4.1: 6 of 1,605,374 alleles (0.00037%); highest among the groups gnomAD compares: Non-Finnish European, 0.00042%; no homozygotes.

Submission:

Labcorp Genetics (formerly Invitae), Labcorp
Classification: Uncertain significance for Aicardi-Goutieres syndrome 7; Singleton-Merten syndrome 1. Last evaluated: 2025-10-22. Review status: criteria provided, single submitter. Criteria: Invitae Variant Classification Sherloc (09022015). Collection method: clinical testing. Allele origin: germline.
Comment: This sequence change replaces methionine, which is neutral and non-polar, with leucine, which is neutral and non-polar, at codon 931 of the IFIH1 protein (p.Met931Leu). This variant is not present in population databases (gnomAD no frequency). This variant has not been reported in the literature in individuals affected with IFIH1-related conditions. ClinVar contains an entry for this variant (Variation ID: 3753614). Invitae Evidence Modeling of protein sequence and biophysical properties (such as structural, functional, and spatial information, amino acid conservation, physicochemical variation, residue mobility, and thermodynamic stability) has been performed for this missense variant. However, the output from this modeling did not meet the statistical confidence thresholds required to predict the impact of this variant on IFIH1 protein function. In summary, the available evidence is currently insufficient to determine the role of this variant in disease. Therefore, it has been classified as a Variant of Uncertain Significance.